The following is an entry in ClinVar:

ClinVar aggregate classification (germline): Uncertain significance. Review status: criteria provided, multiple submitters, no conflicts (2 of 4 stars). 3 submissions from 3 submitters: Uncertain significance (3). Last evaluated 2025-10-24.

Conditions:
Inherited glutathione synthetase deficiency. Identifiers: Orphanet 32, MedGen C5979912, MONDO:0017909.
Inborn genetic diseases. Identifiers: MedGen C0950123, MeSH D030342.

Allele frequency attached by ClinVar (database versions not stated): gnomAD exomes 0.00004; gnomAD 0.00004; ExAC 0.00007.
gnomAD v4.1: 70 of 1,614,038 alleles (0.0043%); highest among the groups gnomAD compares: South Asian, 0.041%; no homozygotes.

Submissions (3):

Ambry Genetics
Classification: Uncertain significance for Inborn genetic diseases. Last evaluated: 2025-10-24. Review status: criteria provided, single submitter. Criteria: Ambry Variant Classification Scheme 2023. Collection method: clinical testing. Allele origin: germline.

Labcorp Genetics (formerly Invitae), Labcorp
Classification: Uncertain significance for Glutathione synthetase deficiency with 5-oxoprolinuria. Last evaluated: 2022-02-28. Review status: criteria provided, single submitter. Criteria: Invitae Variant Classification Sherloc (09022015). Collection method: clinical testing. Allele origin: germline.
Comment: This sequence change replaces arginine, which is basic and polar, with glutamine, which is neutral and polar, at codon 237 of the GSS protein (p.Arg237Gln). This variant is present in population databases (rs758823167, gnomAD 0.04%). This variant has not been reported in the literature in individuals affected with GSS-related conditions. Algorithms developed to predict the effect of missense changes on protein structure and function (SIFT, PolyPhen-2, Align-GVGD) all suggest that this variant is likely to be tolerated. In summary, the available evidence is currently insufficient to determine the role of this variant in disease. Therefore, it has been classified as a Variant of Uncertain Significance.

Revvity Omics, Revvity
Classification: Uncertain significance. Last evaluated: 2021-12-28. Review status: criteria provided, single submitter. Criteria: ACMG Guidelines, 2015. Collection method: clinical testing. Allele origin: germline.

NM_000178.4(GSS):c.710G>A (p.Arg237Gln)

Gene: GSS (glutathione synthetase; minus strand). Cytogenetic location: 20q11.22.
Variant type: single nucleotide variant.
Coding change: c.710G>A on transcript NM_000178.4 (MANE Select); coding-DNA position 710, G replaced by A.
Protein change: p.Arg237Gln; replaces arginine 237 with glutamine.
Molecular consequence: missense variant.
Genome position (GRCh38, 1-based): chr20:34,936,820, C>T on the plus strand (G>A on the coding strand, the complement: GSS is on the minus strand). VCF-style: chr20-34936820-C-T. GRCh37 (hg19) VCF-style: chr20-33524623-C-T.
Other names: c.710G>A, p.Arg237Gln (NM_001322494.1, NM_001322495.1); c.710G>A (NM_000178.2); short protein forms R237Q.
Identifiers: ClinVar variation 2201274 (VCV002201274.6), dbSNP rs758823167, ClinGen allele CA9825986.